The following is an entry in ClinVar:

ClinVar aggregate classification (germline): Uncertain significance. Review status: criteria provided, multiple submitters, no conflicts (2 of 4 stars). 2 submissions from 2 submitters: Uncertain significance (2). Last evaluated 2025-10-29.

Conditions:
Marfan syndrome (MFS). Also called: MARFAN SYNDROME, TYPE I; Marfan syndrome type 1; Marfan's syndrome; Marfan syndrome, classic; FBN1-Related Marfan Syndrome. Identifiers: Orphanet 284963, Orphanet 558, MedGen C0024796, MONDO:0007947, OMIM 154700.
Familial thoracic aortic aneurysm and aortic dissection (TAAD). Also called: Thoracic aortic aneurysms and dissections. Identifiers: Orphanet 91387, MedGen C4707243, MONDO:0019625.

Allele frequency attached by ClinVar (database versions not stated): gnomAD exomes below 0.00001.
gnomAD v4.1: 1 of 1,613,536 alleles (0.000062%); highest among the groups gnomAD compares: Non-Finnish European, 0.000085%; no homozygotes.

Submissions (2):

Ambry Genetics
Classification: Uncertain significance for Familial thoracic aortic aneurysm and aortic dissection. Last evaluated: 2025-10-29. Review status: criteria provided, single submitter. Criteria: Ambry Variant Classification Scheme 2023. Collection method: clinical testing. Allele origin: germline.
Comment: The p.Y2113H variant (also known as c.6337T>C), located in coding exon 51 of the FBN1 gene, results from a T to C substitution at nucleotide position 6337. The tyrosine at codon 2113 is replaced by histidine, an amino acid with similar properties. This amino acid position is not well conserved in available vertebrate species. In addition, the in silico prediction for this alteration is inconclusive. Based on the available evidence, the clinical significance of this variant remains unclear.

Labcorp Genetics (formerly Invitae), Labcorp
Classification: Uncertain significance for Marfan syndrome; Familial thoracic aortic aneurysm and aortic dissection. Last evaluated: 2023-01-30. Review status: criteria provided, single submitter. Criteria: Invitae Variant Classification Sherloc (09022015). Collection method: clinical testing. Allele origin: germline.
Comment: Advanced modeling of protein sequence and biophysical properties (such as structural, functional, and spatial information, amino acid conservation, physicochemical variation, residue mobility, and thermodynamic stability) performed at Invitae indicates that this missense variant is not expected to disrupt FBN1 protein function. In summary, the available evidence is currently insufficient to determine the role of this variant in disease. Therefore, it has been classified as a Variant of Uncertain Significance. This variant has not been reported in the literature in individuals affected with FBN1-related conditions. This variant is not present in population databases (gnomAD no frequency). This sequence change replaces tyrosine, which is neutral and polar, with histidine, which is basic and polar, at codon 2113 of the FBN1 protein (p.Tyr2113His).

NM_000138.5(FBN1):c.6337T>C (p.Tyr2113His)

Gene: FBN1 (fibrillin 1; minus strand). Cytogenetic location: 15q21.1.
Variant type: single nucleotide variant.
Coding change: c.6337T>C on transcript NM_000138.5 (MANE Select); coding-DNA position 6337, T replaced by C.
Protein change: p.Tyr2113His; replaces tyrosine 2113 with histidine.
Molecular consequence: missense variant.
Genome position (GRCh38, 1-based): chr15:48,437,364, A>G on the plus strand (T>C on the coding strand, the complement: FBN1 is on the minus strand). VCF-style: chr15-48437364-A-G. GRCh37 (hg19) VCF-style: chr15-48729561-A-G.
Other names: c.6337T>C, p.Tyr2113His (NM_001406716.1); short protein forms Y2113H.
Identifiers: ClinVar variation 2929125 (VCV002929125.4), dbSNP rs2505436966, ClinGen allele CA392336821.